The following is an entry in ClinVar:

ClinVar aggregate classification (germline): Likely pathogenic (0 of 4 stars; one submission).

Conditions:
Megalencephaly-polymicrogyria-polydactyly-hydrocephalus syndrome 2 (MPPH2). Also called: MEGALENCEPHALY-POLYMICROGYRIA-POLYDACTYLY-HYDROCEPHALUS SYNDROME 2, SOMATIC. Identifiers: Orphanet 83473, MedGen C4014738, MONDO:0014407, OMIM 615937.

Submission:

MVZ Praenatalmedizin und Genetik Nuernberg
Classification: Likely pathogenic for Megalencephaly-polymicrogyria-polydactyly-hydrocephalus syndrome 2. Last evaluated: 2021-10-31. Review status: no assertion criteria provided. Collection method: clinical testing. Allele origin: de novo. Inheritance: Autosomal dominant inheritance. Affected: yes. Observed: 1 heterozygote.
Comment: This variant was not listed in the databases (ClinVar, LOVD). GnomAD shows no entry (very rare or private variant). In silico analyses predict a damaging effect for this variant, which is located in a functional domain of AKT3-protein. Taken together, we classify this variant as likely pathogenic.

NM_005465.7(AKT3):c.230T>A (p.Leu77His)

Gene: AKT3 (AKT serine/threonine kinase 3; minus strand). Cytogenetic location: 1q44.
Variant type: single nucleotide variant.
Coding change: c.230T>A on transcript NM_005465.7 (MANE Select); coding-DNA position 230, T replaced by A.
Protein change: p.Leu77His; replaces leucine 77 with histidine.
Molecular consequence: missense variant.
Genome position (GRCh38, 1-based): chr1:243,664,826, A>T on the plus strand (T>A on the coding strand, the complement: AKT3 is on the minus strand). VCF-style: chr1-243664826-A-T. GRCh37 (hg19) VCF-style: chr1-243828128-A-T.
Other names: c.230T>A, p.Leu77His (NM_001206729.2, NM_001370074.1, NM_181690.2); short protein forms L77H.
Identifiers: ClinVar variation 1320279 (VCV001320279.2), dbSNP rs2147921662, ClinGen allele CA345669276.